The following is an entry in ClinVar:

ClinVar aggregate classification (germline): Uncertain significance (1 of 4 stars; one submission).

Conditions:
Retinoblastoma (RB1). Also called: RETINOBLASTOMA, SOMATIC. Identifiers: Orphanet 790, MedGen C0035335, MeSH D012175, MONDO:0008380, OMIM 180200, HP:0009919. Disease mechanism: loss of function. Inheritance: Both sporadic and heritable forms are tested..

Submission:

Labcorp Genetics (formerly Invitae), Labcorp
Classification: Uncertain significance for Retinoblastoma. Last evaluated: 2019-12-06. Review status: criteria provided, single submitter. Criteria: Invitae Variant Classification Sherloc (09022015). Collection method: clinical testing. Allele origin: germline.
Comment: In summary, the available evidence is currently insufficient to determine the role of this variant in disease. Therefore, it has been classified as a Variant of Uncertain Significance. Algorithms developed to predict the effect of missense changes on protein structure and function are either unavailable or do not agree on the potential impact of this missense change (SIFT: "Deleterious"; PolyPhen-2: "Benign"; Align-GVGD: "Class C45"). This variant has been reported in an individual with unilateral retinoblastoma in the Leiden Open-source Variation Database (PMID: 21520333). This variant is not present in population databases (ExAC no frequency). This sequence change replaces methionine with threonine at codon 219 of the RB1 protein (p.Met219Thr). The methionine residue is moderately conserved and there is a moderate physicochemical difference between methionine and threonine.

Literature cited by the submitters: PubMed 21520333.

NM_000321.3(RB1):c.656T>C (p.Met219Thr)

Gene: RB1 (RB transcriptional corepressor 1; plus strand). Cytogenetic location: 13q14.2.
Variant type: single nucleotide variant.
Coding change: c.656T>C on transcript NM_000321.3 (MANE Select); coding-DNA position 656, T replaced by C.
Protein change: p.Met219Thr; replaces methionine 219 with threonine.
Molecular consequence: missense variant.
Genome position (GRCh38, 1-based): chr13:48,360,065, T>C. VCF-style: chr13-48360065-T-C. GRCh37 (hg19) VCF-style: chr13-48934201-T-C.
Other names: short protein forms M219T.
Identifiers: ClinVar variation 855603 (VCV000855603.9), dbSNP rs1952625561, ClinGen allele CA388158317.